The following is an entry in ClinVar:

ClinVar aggregate classification (germline): Uncertain significance. Review status: criteria provided, multiple submitters, no conflicts (2 of 4 stars). 5 submissions from 5 submitters: Uncertain significance (5). Last evaluated 2024-04-16.

Conditions:
Familial thoracic aortic aneurysm and aortic dissection (TAAD). Also called: Thoracic aortic aneurysms and dissections. Identifiers: Orphanet 91387, MedGen C4707243, MONDO:0019625.
Aortic aneurysm, familial thoracic 4 (AAT4). Also called: AORTIC ANEURYSM/AORTIC DISSECTION AND PATENT DUCTUS ARTERIOSUS. Identifiers: MedGen C1851504, MONDO:0007568, OMIM 132900.

Allele frequency attached by ClinVar (database versions not stated): gnomAD exomes below 0.00001.
gnomAD v4.1: 2 of 1,612,010 alleles (0.00012%); highest among the groups gnomAD compares: Non-Finnish European, 0.00017%; no homozygotes.

Submissions (5):

All of Us Research Program, National Institutes of Health
Classification: Uncertain significance for Familial thoracic aortic aneurysm and aortic dissection. Last evaluated: 2024-04-16. Review status: criteria provided, single submitter. Criteria: ACMG Guidelines, 2015. Collection method: clinical testing. Allele origin: germline. Inheritance: Autosomal dominant inheritance. Observed: 4 variant alleles, 4 heterozygotes.
Comment: This missense variant replaces lysine with arginine at codon 923 of the MYH11 protein. Computational prediction suggests that this variant may not impact protein structure and function (internally defined REVEL score threshold <= 0.5, PMID: 27666373). To our knowledge, functional studies have not been reported for this variant. This variant has not been reported in individuals affected with MYH11-related disorders in the literature. This variant has been identified in 1/249842 chromosomes in the general population by the Genome Aggregation Database (gnomAD). The available evidence is insufficient to determine the role of this variant in disease conclusively. Therefore, this variant is classified as a Variant of Uncertain Significance.

This study involves interpretation of variants in research participants for the purpose of population health screening. Participant phenotype was not available at the time of variant classification. Additional details can be found in publication PMID: 35346344, PMCID: PMC8962531

Color Diagnostics, LLC DBA Color Health
Classification: Uncertain significance for Familial thoracic aortic aneurysm and aortic dissection. Last evaluated: 2024-03-06. Review status: criteria provided, single submitter. Criteria: ACMG Guidelines, 2015. Collection method: clinical testing. Allele origin: germline.
Comment: This missense variant replaces lysine with arginine at codon 923 of the MYH11 protein. Computational prediction suggests that this variant may not impact protein structure and function (internally defined REVEL score threshold <= 0.5, PMID: 27666373). To our knowledge, functional studies have not been reported for this variant. This variant has not been reported in individuals affected with MYH11-related disorders in the literature. This variant has been identified in 1/249842 chromosomes in the general population by the Genome Aggregation Database (gnomAD). The available evidence is insufficient to determine the role of this variant in disease conclusively. Therefore, this variant is classified as a Variant of Uncertain Significance.

Women's Health and Genetics/Laboratory Corporation of America, LabCorp
Classification: Uncertain significance. Last evaluated: 2023-11-20. Review status: criteria provided, single submitter. Criteria: LabCorp Variant Classification Summary - May 2015. Collection method: clinical testing. Allele origin: germline.

Ambry Genetics
Classification: Uncertain significance for Familial thoracic aortic aneurysm and aortic dissection. Last evaluated: 2023-07-18. Review status: criteria provided, single submitter. Criteria: Ambry Variant Classification Scheme 2023. Collection method: clinical testing. Allele origin: germline.
Comment: The p.K916R variant (also known as c.2747A>G), located in coding exon 21 of the MYH11 gene, results from an A to G substitution at nucleotide position 2747. The lysine at codon 916 is replaced by arginine, an amino acid with highly similar properties. This amino acid position is conserved. In addition, this alteration is predicted to be tolerated by in silico analysis. Since supporting evidence is limited at this time, the clinical significance of this alteration remains unclear.

Labcorp Genetics (formerly Invitae), Labcorp
Classification: Uncertain significance for Aortic aneurysm, familial thoracic 4. Last evaluated: 2018-12-11. Review status: criteria provided, single submitter. Criteria: Invitae Variant Classification Sherloc (09022015). Collection method: clinical testing. Allele origin: germline.
Comment: In summary, the available evidence is currently insufficient to determine the role of this variant in disease. Therefore, it has been classified as a Variant of Uncertain Significance. Algorithms developed to predict the effect of sequence changes on RNA splicing suggest that this variant may create or strengthen a splice site, but this prediction has not been confirmed by published transcriptional studies. Algorithms developed to predict the effect of missense changes on protein structure and function (SIFT, PolyPhen-2, Align-GVGD) all suggest that this variant is likely to be disruptive, but these predictions have not been confirmed by published functional studies and their clinical significance is uncertain. This variant has not been reported in the literature in individuals with MYH11-related conditions. This variant is not present in population databases (ExAC no frequency). This sequence change replaces lysine with arginine at codon 923 of the MYH11 protein (p.Lys923Arg). The lysine residue is highly conserved and there is a small physicochemical difference between lysine and arginine.

NM_002474.3(MYH11):c.2747A>G (p.Lys916Arg)

Gene: MYH11 (myosin heavy chain 11; minus strand). Cytogenetic location: 16p13.11.
Variant type: single nucleotide variant.
Coding change: c.2747A>G on transcript NM_002474.3 (MANE Select); coding-DNA position 2747, A replaced by G.
Protein change: p.Lys916Arg; replaces lysine 916 with arginine.
Molecular consequence: missense variant.
Genome position (GRCh38, 1-based): chr16:15,741,575, T>C on the plus strand (A>G on the coding strand, the complement: MYH11 is on the minus strand). VCF-style: chr16-15741575-T-C. GRCh37 (hg19) VCF-style: chr16-15835432-T-C.
Other names: c.2768A>G, p.Lys923Arg (NM_001040113.2, NM_001040114.2); c.2747A>G, p.Lys916Arg (NM_022844.3); c.2747A>G (NM_002474.2); short protein forms K923R, K916R.
Identifiers: ClinVar variation 652675 (VCV000652675.15), dbSNP rs1382626826, ClinGen allele CA394865356.